The following is an entry in ClinVar:

ClinVar aggregate classification (germline): Uncertain significance. Review status: criteria provided, multiple submitters, no conflicts (2 of 4 stars). 6 submissions from 6 submitters: Uncertain significance (4). 2 of the submissions do not count toward it. Last evaluated 2025-08-05.

Conditions:
Familial thoracic aortic aneurysm and aortic dissection (TAAD). Also called: Thoracic aortic aneurysms and dissections. Identifiers: Orphanet 91387, MedGen C4707243, MONDO:0019625.
HYPERHOMOCYSTEINEMIA, THROMBOTIC, CBS-RELATED. Identifiers: MedGen C3150344, OMIM 236200.
Classic homocystinuria. Also called: Homocystinuria due to Cystathionine Beta-Synthase Deficiency; HOMOCYSTINURIA WITH OR WITHOUT RESPONSE TO PYRIDOXINE; Homocystinuria due to CBS deficiency; Cystathionine beta-synthase deficiency; CBS deficiency. Identifiers: Orphanet 394, MedGen C0751202, MONDO:0009352, OMIM 236200.

Allele frequency attached by ClinVar (database versions not stated): ExAC 0.00001; gnomAD exomes 0.00002; TOPMed 0.00003.

Submissions (6):

Myriad Genetics, Inc.
Classification: Uncertain significance for Classic homocystinuria. Last evaluated: 2025-08-05. Review status: criteria provided, single submitter. Criteria: Myriad Autosomal Dominant, Autosomal Recessive and X-Linked Classification Criteria (2023). Collection method: clinical testing. Allele origin: unknown.
Comment: NM_000071.2(CBS):c.599C>T(P200L) is a missense variant classified as a variant of uncertain significance in the context of homocystinuria, CBS-related. P200L has been observed in a case with relevant disease (PMID: 21520339). Relevant functional assessments of this variant are not available in the literature. P200L has been observed in referenced population frequency databases. In summary, there is insufficient evidence to classify NM_000071.2(CBS):c.599C>T(P200L) as pathogenic or benign. Please note: this variant was assessed in the context of healthy population screening.

Ambry Genetics
Classification: Uncertain significance for Familial thoracic aortic aneurysm and aortic dissection. Last evaluated: 2023-04-22. Review status: criteria provided, single submitter. Criteria: Ambry Variant Classification Scheme 2023. Collection method: clinical testing. Allele origin: germline.
Comment: The p.P200L variant (also known as c.599C>T), located in coding exon 5 of the CBS gene, results from a C to T substitution at nucleotide position 599. The proline at codon 200 is replaced by leucine, an amino acid with similar properties. This alteration was reported in an individual with severe hyperhomocysteinemia; however, a second alteration in CBS was not identified (Cozar M et al. Hum Mutat, 2011 Jul;32:835-42). This amino acid position is highly conserved in available vertebrate species. In addition, this alteration is predicted to be deleterious by in silico analysis. Since supporting evidence is limited at this time, the clinical significance of this alteration remains unclear.

Labcorp Genetics (formerly Invitae), Labcorp
Classification: Uncertain significance for HYPERHOMOCYSTEINEMIA, THROMBOTIC, CBS-RELATED. Last evaluated: 2022-07-19. Review status: criteria provided, single submitter. Criteria: Invitae Variant Classification Sherloc (09022015). Collection method: clinical testing. Allele origin: germline.
Comment: This sequence change replaces proline, which is neutral and non-polar, with leucine, which is neutral and non-polar, at codon 200 of the CBS protein (p.Pro200Leu). This variant is present in population databases (rs758712880, gnomAD 0.003%). This missense change has been observed in individual(s) with homocystinuria (PMID: 21520339). ClinVar contains an entry for this variant (Variation ID: 642590). Algorithms developed to predict the effect of missense changes on protein structure and function are either unavailable or do not agree on the potential impact of this missense change (SIFT: "Deleterious"; PolyPhen-2: "Possibly Damaging"; Align-GVGD: "Class C0"). Experimental studies are conflicting or provide insufficient evidence to determine the effect of this variant on CBS function (PMID: 21520339). In summary, the available evidence is currently insufficient to determine the role of this variant in disease. Therefore, it has been classified as a Variant of Uncertain Significance.

Fulgent Genetics
Classification: Uncertain significance for Classic homocystinuria. Last evaluated: 2021-07-28. Review status: criteria provided, single submitter. Criteria: ACMG Guidelines, 2015. Collection method: clinical testing. Allele origin: unknown.

Diagnostic Laboratory, Department of Genetics, University Medical Center Groningen
Classification: Uncertain significance. Review status: no assertion criteria provided. Collection method: clinical testing. Allele origin: germline. Affected: yes. Study: VKGL Data-share Consensus. Not counted in ClinVar's aggregate classification.

Laboratory of Diagnostic Genome Analysis, Leiden University Medical Center (LUMC)
Classification: Uncertain significance. Review status: no assertion criteria provided. Collection method: clinical testing. Allele origin: germline. Affected: yes. Study: VKGL Data-share Consensus. Not counted in ClinVar's aggregate classification.

Literature cited by the submitters: PubMed 21520339 (cited by 3 submitters).

NM_000071.3(CBS):c.599C>T (p.Pro200Leu)

Gene: CBS (cystathionine beta-synthase; minus strand). Cytogenetic location: 21q22.3.
Variant type: single nucleotide variant.
Coding change: c.599C>T on transcript NM_000071.3 (MANE Select); coding-DNA position 599, C replaced by T.
Protein change: p.Pro200Leu; replaces proline 200 with leucine.
Molecular consequence: missense variant.
Genome position (GRCh38, 1-based): chr21:43,065,454, G>A on the plus strand (C>T on the coding strand, the complement: CBS is on the minus strand). VCF-style: chr21-43065454-G-A. GRCh37 (hg19) VCF-style: chr21-44485564-G-A.
Other names: c.599C>T, p.Pro200Leu (NM_001178008.3, NM_001178009.3, NM_001320298.2); c.284C>T, p.Pro95Leu (NM_001321072.1); short protein forms P95L, P200L.
Identifiers: ClinVar variation 642590 (VCV000642590.52), dbSNP rs758712880, ClinGen allele CA321095994.